The following is an entry in ClinVar:

NM_000439.5(PCSK1):c.780C>T (p.His260=)

Genes: CAST (calpastatin; plus strand), PCSK1 (proprotein convertase subtilisin/kexin type 1; minus strand), LOC101929710 (uncharacterized LOC101929710; plus strand). Cytogenetic location: 5q15.
Variant type: single nucleotide variant.
Coding change: c.780C>T on transcript NM_000439.5 (MANE Select); coding-DNA position 780, C replaced by T.
Protein change: p.His260=; no amino-acid change (histidine 260 retained).
Molecular consequence: synonymous variant. On other transcripts: intron variant (11).
Genome position (GRCh38, 1-based): chr5:96,412,420, G>A on the plus strand (C>T on the coding strand, the complement: PCSK1 is on the minus strand). VCF-style: chr5-96412420-G-A. GRCh37 (hg19) VCF-style: chr5-95748124-G-A.
Other names: c.639C>T, p.His213= (NM_001177875.2); c.-175+32768G>A (NM_001423254.1, NM_001423259.1, NM_001423255.1 and 6 more transcripts); c.-103+32768G>A (NM_001423253.1); c.-40+32768G>A (NM_001423258.1).
Identifiers: ClinVar variation 2900789 (VCV002900789.5), dbSNP rs376401160, ClinGen allele CA3350377.

ClinVar aggregate classification (germline): Likely benign. Review status: criteria provided, single submitter (1 of 4 stars). 2 submissions from 2 submitters: Likely benign (1). 1 of the submissions does not count toward it. Last evaluated 2023-03-23.

Conditions:
PCSK1-related disorder. Also called: PCSK1-related condition.

Allele frequency attached by ClinVar (database versions not stated): ESP Exome Variant Server 0.00008; TOPMed 0.00004; gnomAD 0.00006; ExAC 0.00017.
gnomAD v4.1: 95 of 1,613,510 alleles (0.0059%); highest among the groups gnomAD compares: Non-Finnish European, 0.0074%; no homozygotes.

Submissions (2):

Labcorp Genetics (formerly Invitae), Labcorp
Classification: Likely benign. Last evaluated: 2023-03-23. Review status: criteria provided, single submitter. Criteria: Invitae Variant Classification Sherloc (09022015). Collection method: clinical testing. Allele origin: germline.

PreventionGenetics, part of Exact Sciences
Classification: Likely benign for PCSK1-related condition. Last evaluated: 2020-03-17. Review status: no assertion criteria provided. Collection method: clinical testing. Allele origin: germline. Not counted in ClinVar's aggregate classification.
Comment: This variant is classified as likely benign based on ACMG/AMP sequence variant interpretation guidelines (Richards et al. 2015 PMID: 25741868, with internal and published modifications).